The following is an entry in ClinVar:

ClinVar aggregate classification (germline): Uncertain significance (1 of 4 stars; one submission).

Conditions:
Asphyxiating thoracic dystrophy 5 (SRTD5). Also called: SHORT-RIB THORACIC DYSPLASIA 5 WITH OR WITHOUT POLYDACTYLY; SHORT-RIB THORACIC DYSPLASIA 5 WITHOUT POLYDACTYLY. Identifiers: Orphanet 474, MedGen C3280598, MONDO:0013717, OMIM 614376.
Senior-Loken syndrome 8 (SLSN8). Identifiers: Orphanet 3156, MedGen C4225376, MONDO:0014579, OMIM 616307.

Submission:

Labcorp Genetics (formerly Invitae), Labcorp
Classification: Uncertain significance for Senior-Loken syndrome 8; Asphyxiating thoracic dystrophy 5. Last evaluated: 2022-12-20. Review status: criteria provided, single submitter. Criteria: Invitae Variant Classification Sherloc (09022015). Collection method: clinical testing. Allele origin: germline.
Comment: In summary, the available evidence is currently insufficient to determine the role of this variant in disease. Therefore, it has been classified as a Variant of Uncertain Significance. Advanced modeling of protein sequence and biophysical properties (such as structural, functional, and spatial information, amino acid conservation, physicochemical variation, residue mobility, and thermodynamic stability) has been performed at Invitae for this missense variant, however the output from this modeling did not meet the statistical confidence thresholds required to predict the impact of this variant on WDR19 protein function. This variant has not been reported in the literature in individuals affected with WDR19-related conditions. This variant is not present in population databases (gnomAD no frequency). This sequence change replaces cysteine, which is neutral and slightly polar, with tyrosine, which is neutral and polar, at codon 146 of the WDR19 protein (p.Cys146Tyr).

NM_025132.4(WDR19):c.437G>A (p.Cys146Tyr)

Gene: WDR19 (WD repeat domain 19; plus strand). Cytogenetic location: 4p14.
Variant type: single nucleotide variant.
Coding change: c.437G>A on transcript NM_025132.4 (MANE Select); coding-DNA position 437, G replaced by A.
Protein change: p.Cys146Tyr; replaces cysteine 146 with tyrosine.
Molecular consequence: missense variant. On other transcripts: 5 prime UTR variant (1).
Genome position (GRCh38, 1-based): chr4:39,199,508, G>A. VCF-style: chr4-39199508-G-A. GRCh37 (hg19) VCF-style: chr4-39201128-G-A.
Other names: c.-44G>A (NM_001317924.2); short protein forms C146Y.
Identifiers: ClinVar variation 2107929 (VCV002107929.4), dbSNP rs2475060179, ClinGen allele CA356632333.